The following is an entry in ClinVar:

ClinVar aggregate classification (germline): Uncertain significance (1 of 4 stars; one submission).

Conditions:
Neurofibromatosis, type 2 (SWNV). Also called: BILATERAL ACOUSTIC NEUROFIBROMATOSIS; SCHWANNOMATOSIS, VESTIBULAR; NF2-Related Schwannomatosis. Identifiers: Orphanet 637, MedGen C0027832, MONDO:0007039, OMIM 101000. Disease mechanism: loss of function.

Submission:

Labcorp Genetics (formerly Invitae), Labcorp
Classification: Uncertain significance for Neurofibromatosis, type 2. Last evaluated: 2024-10-02. Review status: criteria provided, single submitter. Criteria: Invitae Variant Classification Sherloc (09022015). Collection method: clinical testing. Allele origin: germline.
Comment: This sequence change replaces methionine, which is neutral and non-polar, with leucine, which is neutral and non-polar, at codon 216 of the NF2 protein (p.Met216Leu). This variant is not present in population databases (gnomAD no frequency). This variant has not been reported in the literature in individuals affected with NF2-related conditions. Invitae Evidence Modeling of protein sequence and biophysical properties (such as structural, functional, and spatial information, amino acid conservation, physicochemical variation, residue mobility, and thermodynamic stability) indicates that this missense variant is expected to disrupt NF2 protein function with a positive predictive value of 80%. In summary, the available evidence is currently insufficient to determine the role of this variant in disease. Therefore, it has been classified as a Variant of Uncertain Significance.

NM_000268.4(NF2):c.646A>T (p.Met216Leu)

Gene: NF2 (NF2, moesin-ezrin-radixin like (MERLIN) tumor suppressor; plus strand). Cytogenetic location: 22q12.2.
Variant type: single nucleotide variant.
Coding change: c.646A>T on transcript NM_000268.4 (MANE Select); coding-DNA position 646, A replaced by T.
Protein change: p.Met216Leu; replaces methionine 216 with leucine.
Molecular consequence: missense variant. On other transcripts: intron variant (1).
Genome position (GRCh38, 1-based): chr22:29,658,235, A>T. VCF-style: chr22-29658235-A-T. GRCh37 (hg19) VCF-style: chr22-30054224-A-T.
Other names: c.532A>T, p.Met178Leu (NM_001407053.1, NM_001407056.1); c.523A>T, p.Met175Leu (NM_001407054.1, NM_001407058.1, NM_001407062.1 and 1 more transcripts); c.520A>T, p.Met174Leu (NM_001407055.1, NM_181828.3); c.646A>T, p.Met216Leu (NM_001407057.1, NM_001407059.1, NM_001407060.1 and 4 more transcripts); c.397A>T, p.Met133Leu (NM_001407063.1, NM_001407064.1, NM_181830.3 and 1 more transcripts); c.112A>T, p.Met38Leu (NM_001407065.1); c.415A>T, p.Met139Leu (NM_001407067.1); c.447+15950A>T (NM_181833.3); short protein forms M178L, M139L, M38L, M133L, M174L, M175L, M216L.
Identifiers: ClinVar variation 3667082 (VCV003667082.2).